The following is an entry in ClinVar:

ClinVar aggregate classification (germline): Likely benign (1 of 4 stars; one submission).

Allele frequency attached by ClinVar (database versions not stated): 1000 Genomes Project 0.00100; gnomAD 0.00145 and 0.00158; 1000 Genomes Project 30x 0.00156; TOPMed 0.00162.

Submission:

GeneDx
Classification: Likely benign. Last evaluated: 2018-02-23. Review status: criteria provided, single submitter. Criteria: GeneDx Variant Classification (06012015). Collection method: clinical testing. Allele origin: germline. Affected: yes.
Comment: This variant is considered likely benign or benign based on one or more of the following criteria: it is a conservative change, it occurs at a poorly conserved position in the protein, it is predicted to be benign by multiple in silico algorithms, and/or has population frequency not consistent with disease.

NM_133642.5(LARGE1):c.-83+63246C>T

Gene: LARGE1 (LARGE xylosyl- and glucuronyltransferase 1; minus strand). Cytogenetic location: 22q12.3.
Variant type: single nucleotide variant.
Coding change: c.-83+63246C>T on transcript NM_133642.5 (MANE Select); 63246 bases into the intron after 83 bases upstream of the start codon, C replaced by T.
Molecular consequence: intron variant. On other transcripts: 5 prime UTR variant (4).
Genome position (GRCh38, 1-based): chr22:33,856,749, G>A on the plus strand (C>T on the coding strand, the complement: LARGE1 is on the minus strand). VCF-style: chr22-33856749-G-A. GRCh37 (hg19) VCF-style: chr22-34252737-G-A.
Other names: c.-92C>T (NM_001362949.2, NM_001378624.1, NM_001378625.1 and 1 more transcripts); c.-83+65872C>T (NM_001362953.2); c.-83+65728C>T (NM_001378627.1, NM_001362951.2); c.-83+63246C>T (NM_001378629.1, NM_001378628.1); c.-83+16359C>T (NM_001378626.1).
Identifiers: ClinVar variation 392460 (VCV000392460.1), dbSNP rs142710671, ClinGen allele CA16608164.